The following is an entry in ClinVar:

NM_014874.4(MFN2):c.1687C>G (p.Arg563Gly)

Genes: MFN2 (mitofusin 2; plus strand), LOC129929426 (ATAC-STARR-seq lymphoblastoid active region 185; plus strand). Cytogenetic location: 1p36.22.
Variant type: single nucleotide variant.
Coding change: c.1687C>G on transcript NM_014874.4 (MANE Select); coding-DNA position 1687, C replaced by G.
Protein change: p.Arg563Gly; replaces arginine 563 with glycine.
Molecular consequence: missense variant.
Genome position (GRCh38, 1-based): chr1:12,005,902, C>G. VCF-style: chr1-12005902-C-G. GRCh37 (hg19) VCF-style: chr1-12065959-C-G.
Other names: c.1687C>G, p.Arg563Gly (NM_001127660.2); short protein forms R563G.
Identifiers: ClinVar variation 2341961 (VCV002341961.3), dbSNP rs747733583, ClinGen allele CA338448237.

ClinVar aggregate classification (germline): Uncertain significance. Review status: criteria provided, multiple submitters, no conflicts (2 of 4 stars). 2 submissions from 2 submitters: Uncertain significance (2). Last evaluated 2022-09-07.

Conditions:
Inborn genetic diseases. Identifiers: MedGen C0950123, MeSH D030342.

Submissions (2):

GeneDx
Classification: Uncertain significance. Last evaluated: 2022-09-07. Review status: criteria provided, single submitter. Criteria: GeneDx Variant Classification Process June 2021. Collection method: clinical testing. Allele origin: germline. Affected: yes.
Comment: Not observed at significant frequency in large population cohorts (gnomAD); In silico analysis supports that this missense variant has a deleterious effect on protein structure/function; Has not been previously published as pathogenic or benign to our knowledge

Ambry Genetics
Classification: Uncertain significance for Inborn genetic diseases. Last evaluated: 2022-01-18. Review status: criteria provided, single submitter. Criteria: Ambry Variant Classification Scheme 2023. Collection method: clinical testing. Allele origin: germline.